The following is an entry in ClinVar:

NM_001039591.3(USP9X):c.2038A>G (p.Ile680Val)

Gene: USP9X (ubiquitin specific peptidase 9 X-linked; plus strand). Cytogenetic location: Xp11.4.
Variant type: single nucleotide variant.
Coding change: c.2038A>G on transcript NM_001039591.3 (MANE Select); coding-DNA position 2038, A replaced by G.
Protein change: p.Ile680Val; replaces isoleucine 680 with valine.
Molecular consequence: missense variant.
Genome position (GRCh38, 1-based): chrX:41,165,924, A>G. VCF-style: chrX-41165924-A-G. GRCh37 (hg19) VCF-style: chrX-41025177-A-G.
Other names: c.2038A>G, p.Ile680Val (NM_001039590.3); c.2053A>G, p.Ile685Val (NM_001410748.1, NM_001410749.1); c.2038A>G (NM_001039590.2); short protein forms I680V, I685V.
Identifiers: ClinVar variation 1897226 (VCV001897226.6), dbSNP rs368726849, ClinGen allele CA10388523.

ClinVar aggregate classification (germline): Uncertain significance. Review status: criteria provided, multiple submitters, no conflicts (2 of 4 stars). 2 submissions from 2 submitters: Uncertain significance (2). Last evaluated 2025-12-16.

Conditions:
Inborn genetic diseases. Identifiers: MedGen C0950123, MeSH D030342.

Allele frequency attached by ClinVar (database versions not stated): ExAC 0.00001; gnomAD exomes 0.00002; gnomAD 0.00003; TOPMed 0.00003; ESP Exome Variant Server 0.00009.
gnomAD v4.1: 11 of 1,210,203 alleles (0.00091%); highest among the groups gnomAD compares: African/African-American, 0.0017%; no homozygotes.

Submissions (2):

Labcorp Genetics (formerly Invitae), Labcorp
Classification: Uncertain significance. Last evaluated: 2025-12-16. Review status: criteria provided, single submitter. Criteria: Invitae Variant Classification Sherloc (09022015). Collection method: clinical testing. Allele origin: germline.
Comment: This sequence change replaces isoleucine, which is neutral and non-polar, with valine, which is neutral and non-polar, at codon 680 of the USP9X protein (p.Ile680Val). This variant is present in population databases (rs368726849, gnomAD 0.004%), including at least one homozygous and/or hemizygous individual. This variant has not been reported in the literature in individuals affected with USP9X-related conditions. ClinVar contains an entry for this variant (Variation ID: 1897226). An algorithm developed to predict the effect of missense changes on protein structure and function (PolyPhen-2) suggests that this variant is likely to be disruptive. In summary, the available evidence is currently insufficient to determine the role of this variant in disease. Therefore, it has been classified as a Variant of Uncertain Significance.

Ambry Genetics
Classification: Uncertain significance for Inborn genetic diseases. Last evaluated: 2024-08-29. Review status: criteria provided, single submitter. Criteria: Ambry Variant Classification Scheme 2023. Collection method: clinical testing. Allele origin: germline.